The following is an entry in ClinVar:

ClinVar aggregate classification (germline): Uncertain significance. Review status: criteria provided, multiple submitters, no conflicts (2 of 4 stars). 2 submissions from 2 submitters: Uncertain significance (2). Last evaluated 2025-07-18.

Conditions:
Hereditary cancer-predisposing syndrome. Also called: Hereditary Cancer Syndrome; Neoplastic Syndromes, Hereditary; Hereditary neoplastic syndrome; Tumor predisposition. Identifiers: Orphanet 140162, MedGen C0027672, MeSH D009386, MONDO:0015356.
DICER1-related tumor predisposition. Also called: DICER1-related pleuropulmonary blastoma cancer predisposition syndrome; DICER1 syndrome. Identifiers: Orphanet 284343, MedGen C3839822, MONDO:0100216.

Submissions (2):

Labcorp Genetics (formerly Invitae), Labcorp
Classification: Uncertain significance for DICER1-related tumor predisposition. Last evaluated: 2025-07-18. Review status: criteria provided, single submitter. Criteria: Invitae Variant Classification Sherloc (09022015). Collection method: clinical testing. Allele origin: germline.
Comment: This sequence change replaces tyrosine, which is neutral and polar, with histidine, which is basic and polar, at codon 761 of the DICER1 protein (p.Tyr761His). This variant is not present in population databases (gnomAD no frequency). This variant has not been reported in the literature in individuals affected with DICER1-related conditions. ClinVar contains an entry for this variant (Variation ID: 821026). Invitae Evidence Modeling of protein sequence and biophysical properties (such as structural, functional, and spatial information, amino acid conservation, physicochemical variation, residue mobility, and thermodynamic stability) indicates that this missense variant is not expected to disrupt DICER1 protein function with a negative predictive value of 95%. In summary, the available evidence is currently insufficient to determine the role of this variant in disease. Therefore, it has been classified as a Variant of Uncertain Significance.

Ambry Genetics
Classification: Uncertain significance for Hereditary cancer-predisposing syndrome. Last evaluated: 2018-01-08. Review status: criteria provided, single submitter. Criteria: Ambry Variant Classification Scheme 2023. Collection method: clinical testing. Allele origin: germline.
Comment: The p.Y761H variant (also known as c.2281T>C), located in coding exon 14 of the DICER1 gene, results from a T to C substitution at nucleotide position 2281. The tyrosine at codon 761 is replaced by histidine, an amino acid with similar properties. This amino acid position is highly conserved in available vertebrate species. In addition, the in silico prediction for this alteration is inconclusive. Since supporting evidence is limited at this time, the clinical significance of this alteration remains unclear.

NM_177438.3(DICER1):c.2281T>C (p.Tyr761His)

Gene: DICER1 (dicer 1, ribonuclease III; minus strand). Cytogenetic location: 14q32.13.
Variant type: single nucleotide variant.
Coding change: c.2281T>C on transcript NM_177438.3 (MANE Select); coding-DNA position 2281, T replaced by C.
Protein change: p.Tyr761His; replaces tyrosine 761 with histidine.
Molecular consequence: missense variant.
Genome position (GRCh38, 1-based): chr14:95,108,479, A>G on the plus strand (T>C on the coding strand, the complement: DICER1 is on the minus strand). VCF-style: chr14-95108479-A-G. GRCh37 (hg19) VCF-style: chr14-95574816-A-G.
Other names: c.2281T>C, p.Tyr761His (NM_001195573.1, NM_001271282.3, NM_001291628.2 and 1 more transcripts); short protein forms Y761H.
Identifiers: ClinVar variation 821026 (VCV000821026.5), dbSNP rs1595382509, ClinGen allele CA390882387.
Genomic context (GRCh38, chr14:95,108,479, plus strand): 5'-AAGGTGTAGTTAAAACCATTCCTATCACATACAGGTAACAGGGCTGATCAGGTCTGGGAT[A>G]ACTATCCCTCAAACACTCTGGAATCTAGAGTTGGAAAGGAAAATTAAGCGTCATGCTCAA-3'
Protein context (NP_803187.1, residues 751-771): KAIPECLRDS[Tyr761His]PRPDQPCYLY